The following is an entry in ClinVar:

NM_015102.5(NPHP4):c.637C>G (p.Gln213Glu)

Gene: NPHP4 (nephrocystin 4; minus strand). Cytogenetic location: 1p36.31.
Variant type: single nucleotide variant.
Coding change: c.637C>G on transcript NM_015102.5 (MANE Select); coding-DNA position 637, C replaced by G.
Protein change: p.Gln213Glu; replaces glutamine 213 with glutamic acid.
Molecular consequence: missense variant. On other transcripts: 5 prime UTR variant (2), non-coding transcript variant (1).
Genome position (GRCh38, 1-based): chr1:5,961,830, G>C on the plus strand (C>G on the coding strand, the complement: NPHP4 is on the minus strand). VCF-style: chr1-5961830-G-C. GRCh37 (hg19) VCF-style: chr1-6021890-G-C.
Other names: c.-593C>G (NM_001291593.2); c.-730C>G (NM_001291594.2); short protein forms Q213E.
Identifiers: ClinVar variation 1477162 (VCV001477162.7), dbSNP rs761724605, ClinGen allele CA554785.

ClinVar aggregate classification (germline): Uncertain significance (1 of 4 stars; one submission).

Conditions:
Nephronophthisis. Also called: Juvenile Nephronophthisis. Identifiers: Orphanet 655, MedGen C0687120, MONDO:0019005, HP:0000090.

Allele frequency attached by ClinVar (database versions not stated): ExAC 0.00001; gnomAD 0.00001; gnomAD exomes 0.00001 and 0.00002.
gnomAD v4.1: 5 of 1,613,290 alleles (0.00031%); highest among the groups gnomAD compares: East Asian, 0.011%; no homozygotes.

Submission:

Labcorp Genetics (formerly Invitae), Labcorp
Classification: Uncertain significance for Nephronophthisis. Last evaluated: 2024-11-05. Review status: criteria provided, single submitter. Criteria: Invitae Variant Classification Sherloc (09022015). Collection method: clinical testing. Allele origin: germline.
Comment: This sequence change replaces glutamine, which is neutral and polar, with glutamic acid, which is acidic and polar, at codon 213 of the NPHP4 protein (p.Gln213Glu). This variant is present in population databases (rs761724605, gnomAD 0.03%). This variant has not been reported in the literature in individuals affected with NPHP4-related conditions. ClinVar contains an entry for this variant (Variation ID: 1477162). Invitae Evidence Modeling of protein sequence and biophysical properties (such as structural, functional, and spatial information, amino acid conservation, physicochemical variation, residue mobility, and thermodynamic stability) indicates that this missense variant is not expected to disrupt NPHP4 protein function with a negative predictive value of 80%. In summary, the available evidence is currently insufficient to determine the role of this variant in disease. Therefore, it has been classified as a Variant of Uncertain Significance.